The following is an entry in ClinVar:

ClinVar aggregate classification (germline): Conflicting classifications of pathogenicity. Review status: criteria provided, conflicting classifications (1 of 4 stars). 2 submissions from 2 submitters: Uncertain significance (1); Likely benign (1). Last evaluated 2025-10-05.

Conditions:
Fanconi anemia (FA). Also called: Fanconi's anemia. Identifiers: Orphanet 84, MedGen C0015625, MeSH D005199, MONDO:0019391.
Inborn genetic diseases. Identifiers: MedGen C0950123, MeSH D030342.

gnomAD v4.1: 2 of 1,614,066 alleles (0.00012%); highest among the groups gnomAD compares: East Asian, 0.0045%; no homozygotes.

Submissions (2):

Labcorp Genetics (formerly Invitae), Labcorp
Classification: Uncertain significance for Fanconi anemia. Last evaluated: 2025-10-05. Review status: criteria provided, single submitter. Criteria: Invitae Variant Classification Sherloc (09022015). Collection method: clinical testing. Allele origin: germline.
Comment: This sequence change replaces leucine, which is neutral and non-polar, with valine, which is neutral and non-polar, at codon 1225 of the FANCA protein (p.Leu1225Val). This variant is present in population databases (no rsID available, gnomAD 0.006%). This variant has not been reported in the literature in individuals affected with FANCA-related conditions. ClinVar contains an entry for this variant (Variation ID: 3718552). Invitae Evidence Modeling of protein sequence and biophysical properties (such as structural, functional, and spatial information, amino acid conservation, physicochemical variation, residue mobility, and thermodynamic stability) indicates that this missense variant is not expected to disrupt FANCA protein function with a negative predictive value of 95%. In summary, the available evidence is currently insufficient to determine the role of this variant in disease. Therefore, it has been classified as a Variant of Uncertain Significance.

Ambry Genetics
Classification: Likely benign for Inborn genetic diseases. Last evaluated: 2025-04-18. Review status: criteria provided, single submitter. Criteria: Ambry Variant Classification Scheme 2023. Collection method: clinical testing. Allele origin: germline.

NM_000135.4(FANCA):c.3673C>G (p.Leu1225Val)

Gene: FANCA (FA complementation group A; minus strand). Cytogenetic location: 16q24.3.
Variant type: single nucleotide variant.
Coding change: c.3673C>G on transcript NM_000135.4 (MANE Select); coding-DNA position 3673, C replaced by G.
Protein change: p.Leu1225Val; replaces leucine 1225 with valine.
Molecular consequence: missense variant.
Genome position (GRCh38, 1-based): chr16:89,742,892, G>C on the plus strand (C>G on the coding strand, the complement: FANCA is on the minus strand). VCF-style: chr16-89742892-G-C. GRCh37 (hg19) VCF-style: chr16-89809300-G-C.
Other names: c.3673C>G, p.Leu1225Val (NM_001286167.3); short protein forms L1225V.
Identifiers: ClinVar variation 3718552 (VCV003718552.3).